The following is an entry in ClinVar:

ClinVar aggregate classification (germline): Uncertain significance (1 of 4 stars; one submission).

Conditions:
Cornelia de Lange syndrome 1 (CDLS1). Also called: Brachmann de Lange syndrome; NIPBL-Related Cornelia de Lange Syndrome; TYPUS DEGENERATIVUS AMSTELODAMENSIS. Identifiers: Orphanet 199, MedGen C4551851, MONDO:0007387, OMIM 122470.

gnomAD v4.1: 2 of 1,614,178 alleles (0.00012%); highest among the groups gnomAD compares: Non-Finnish European, 0.00017%; no homozygotes.

Submission:

Labcorp Genetics (formerly Invitae), Labcorp
Classification: Uncertain significance for Cornelia de Lange syndrome 1. Last evaluated: 2026-01-28. Review status: criteria provided, single submitter. Criteria: Invitae Variant Classification Sherloc (09022015). Collection method: clinical testing. Allele origin: germline.
Comment: This sequence change replaces glutamic acid, which is acidic and polar, with aspartic acid, which is acidic and polar, at codon 2768 of the NIPBL protein (p.Glu2768Asp). This variant is not present in population databases (gnomAD no frequency). This variant has not been reported in the literature in individuals affected with NIPBL-related conditions. Invitae Evidence Modeling of protein sequence and biophysical properties (such as structural, functional, and spatial information, amino acid conservation, physicochemical variation, residue mobility, and thermodynamic stability) has been performed for this missense variant. However, the output from this modeling did not meet the statistical confidence thresholds required to predict the impact of this variant on NIPBL protein function. In summary, the available evidence is currently insufficient to determine the role of this variant in disease. Therefore, it has been classified as a Variant of Uncertain Significance.

NM_133433.4(NIPBL):c.8304G>C (p.Glu2768Asp)

Gene: NIPBL (NIPBL cohesin loading factor; plus strand). Cytogenetic location: 5p13.2.
Variant type: single nucleotide variant.
Coding change: c.8304G>C on transcript NM_133433.4 (MANE Select); coding-DNA position 8304, G replaced by C.
Protein change: p.Glu2768Asp; replaces glutamic acid 2768 with aspartic acid.
Molecular consequence: missense variant. On other transcripts: 3 prime UTR variant (2).
Genome position (GRCh38, 1-based): chr5:37,064,781, G>C. VCF-style: chr5-37064781-G-C. GRCh37 (hg19) VCF-style: chr5-37064883-G-C.
Other names: c.*248G>C (NM_001438586.1); c.*758G>C (NM_015384.5); short protein forms E2768D.
Identifiers: ClinVar variation 4752111 (VCV004752111.1).